The following is an entry in ClinVar:

NM_002755.4(MAP2K1):c.569-19T>A

Gene: MAP2K1 (mitogen-activated protein kinase kinase 1; plus strand). Cytogenetic location: 15q22.31.
Variant type: single nucleotide variant.
Coding change: c.569-19T>A on transcript NM_002755.4 (MANE Select); 19 bases into the intron before coding-DNA position 569, T replaced by A.
Molecular consequence: intron variant.
Genome position (GRCh38, 1-based): chr15:66,481,736, T>A. VCF-style: chr15-66481736-T-A. GRCh37 (hg19) VCF-style: chr15-66774074-T-A.
Identifiers: ClinVar variation 378101 (VCV000378101.9), dbSNP rs371099866, ClinGen allele CA7623986.

ClinVar aggregate classification (germline): Benign/Likely benign. Review status: criteria provided, multiple submitters, no conflicts (2 of 4 stars). 3 submissions from 3 submitters: Benign (1); Likely benign (2). Last evaluated 2026-01-27.

Conditions:
RASopathy. Also called: rasopathies; Noonan spectrum disorder. Identifiers: Orphanet 536391, MedGen C5555857, MONDO:0021060.

Allele frequency attached by ClinVar (database versions not stated): gnomAD 0.00005 and 0.00006; gnomAD exomes 0.00005; TOPMed 0.00005; ExAC 0.00007; ESP Exome Variant Server 0.00015.
gnomAD v4.1: 84 of 1,610,946 alleles (0.0052%); highest among the groups gnomAD compares: Non-Finnish European, 0.0061%; no homozygotes.

Submissions (3):

Labcorp Genetics (formerly Invitae), Labcorp
Classification: Likely benign for RASopathy. Last evaluated: 2026-01-27. Review status: criteria provided, single submitter. Criteria: Invitae Variant Classification Sherloc (09022015). Collection method: clinical testing. Allele origin: germline.

Blueprint Genetics
Classification: Likely benign. Last evaluated: 2024-11-11. Review status: criteria provided, single submitter. Criteria: ACMG Guidelines, 2015. Collection method: clinical testing. Allele origin: germline.

GeneDx
Classification: Benign. Last evaluated: 2015-04-07. Review status: criteria provided, single submitter. Criteria: GeneDx Variant Classification (06012015). Collection method: clinical testing. Allele origin: germline. Affected: yes.
Comment: This variant is considered likely benign or benign based on one or more of the following criteria: it is a conservative change, it occurs at a poorly conserved position in the protein, it is predicted to be benign by multiple in silico algorithms, and/or has population frequency not consistent with disease.